The following is an entry in ClinVar:

ClinVar aggregate classification (germline): Uncertain significance (1 of 4 stars; one submission).

Submission:

Dasa
Classification: Uncertain significance. Last evaluated: 2026-03-23. Review status: criteria provided, single submitter. Criteria: DASA Assertion Criteria. Collection method: clinical testing. Allele origin: germline.
Comment: NM_022454.4(SOX17):c.454G>A (p.Glu152Lys) is a missense variant that results in the substitution of glutamic acid with lysine. This variant is rare in population databases. Computational prediction algorithms are consistent with a deleterious effect. The currently available literature and clinical evidence are not sufficient to establish a definitive association between this variant and the reported condition. Therefore, this variant is classified as a variant of uncertain significance.

NM_022454.4(SOX17):c.454G>A (p.Glu152Lys)

Gene: SOX17 (SRY-box transcription factor 17; plus strand). Cytogenetic location: 8q11.23.
Variant type: single nucleotide variant.
Coding change: c.454G>A on transcript NM_022454.4 (MANE Select); coding-DNA position 454, G replaced by A.
Protein change: p.Glu152Lys; replaces glutamic acid 152 with lysine.
Molecular consequence: missense variant.
Genome position (GRCh38, 1-based): chr8:54,459,204, G>A. VCF-style: chr8-54459204-G-A. GRCh37 (hg19) VCF-style: chr8-55371764-G-A.
Other names: short protein forms E152K.
Identifiers: ClinVar variation 4881427 (VCV004881427.2).